The following is an entry in ClinVar:

ClinVar aggregate classification (germline): Pathogenic (1 of 4 stars; one submission).

Conditions:
Aortic aneurysm, familial thoracic 7 (AAT7). Also called: AORTIC DISSECTION, FAMILIAL, WITH OR WITHOUT AORTIC ANEURYSM. Identifiers: MedGen C3151077, MONDO:0013418, OMIM 613780.

Submission:

Labcorp Genetics (formerly Invitae), Labcorp
Classification: Pathogenic for Aortic aneurysm, familial thoracic 7. Last evaluated: 2025-05-07. Review status: criteria provided, single submitter. Criteria: Invitae Variant Classification Sherloc (09022015). Collection method: clinical testing. Allele origin: germline.
Comment: This sequence change creates a premature translational stop signal (p.Arg1204Glyfs*11) in the MYLK gene. This variant occurs within the aortic-specific isoform of MYLK. Loss-of-function variants in the aortic-specific isoform of MYLK are known to be pathogenic for thoracic aortic dissections (PMID: 21055718). This variant is not present in population databases (gnomAD no frequency). This variant has not been reported in the literature in individuals affected with MYLK-related conditions. For these reasons, this variant has been classified as Pathogenic.

Literature cited by the submitters: PubMed 21055718.

NM_053025.4(MYLK):c.3610del (p.Arg1204fs)

Gene: MYLK (myosin light chain kinase; minus strand). Cytogenetic location: 3q21.1.
Variant type: Deletion.
Coding change: c.3610del on transcript NM_053025.4 (MANE Select); coding-DNA position 3610, one base deleted (C; older notation c.3610delC).
Protein change: p.Arg1204fs; shifts the reading frame from arginine 1204.
Molecular consequence: frameshift variant.
Genome position (GRCh38, 1-based): chr3:123,682,266, G deleted on the plus strand (C on the coding strand, the reverse complement: MYLK is on the minus strand); the first of 3 consecutive G bases (chr3:123,682,266-123,682,268); deleting any one gives the same sequence. VCF-style (leftmost placement, unchanged base first): chr3-123682265-CG-C. GRCh37 (hg19) VCF-style: chr3-123401112-CG-C.
Other names: c.3082del, p.Arg1028fs (NM_001321309.2); c.3403del, p.Arg1135fs (NM_053026.4, NM_053028.4); c.3610del, p.Arg1204fs (NM_053027.4); short protein forms R1028fs, R1204fs, R1135fs.
Identifiers: ClinVar variation 4715512 (VCV004715512.1).
Genomic context (GRCh38, chr3:123,682,265, plus strand): 5'-AAGCTGGGCGAGTACTCACTCTCAGTTCCTAGCACGGGAGGAAGAGAGCTCTTGGGCCTC[CG>C]GGATTTCATCTCTGGGGCCTTGGTGTTCTCACTGGCTGGAGCATCTGGAATGAAACAGGT-3'